The following is an entry in ClinVar:

Conditions:
Breast-ovarian cancer, familial, susceptibility to, 1 (BROVCA1). Also called: BRCA1 Hereditary Breast and Ovarian Cancer; OVARIAN CANCER, SUSCEPTIBILITY TO. Identifiers: Orphanet 145, MedGen C2676676, MONDO:0011450, OMIM 604370. Disease mechanism: loss of function.

Submission:

Brotman Baty Institute, University of Washington
No classification provided (evidence only). Condition: Breast-ovarian cancer, familial 1. Review status: no classification provided. Collection method: in vitro. Allele origin: not applicable. Functional consequence: functionally_normal.
ClinVar note: "not provided" was previously submitted as the classification for the variant. However, the classification appeared to be based only on an observation of functional data so it was converted to no classification on 2025-07-30.

NM_007294.4(BRCA1):c.301+8T>A

Gene: BRCA1 (BRCA1 DNA repair associated; minus strand). Cytogenetic location: 17q21.31.
Variant type: single nucleotide variant.
Coding change: c.301+8T>A on transcript NM_007294.4 (MANE Select); 8 bases into the intron after coding-DNA position 301, T replaced by A.
Molecular consequence: intron variant.
Genome position (GRCh38, 1-based): chr17:43,104,860, A>T on the plus strand (T>A on the coding strand, the complement: BRCA1 is on the minus strand). VCF-style: chr17-43104860-A-T. GRCh37 (hg19) VCF-style: chr17-41256877-A-T.
Other names: c.91+8T>A (NM_001407955.1, NM_001408493.1, NM_001408490.1 and 58 more transcripts); c.292+17T>A (NM_001407646.1, NM_001408408.1, NM_001407647.1); c.301+8T>A (NM_001408445.1, NM_001408432.1, NM_001407689.1 and 164 more transcripts); c.-81+8T>A (NM_001407965.1, NM_001407959.1, NM_001407962.1 and 4 more transcripts); c.160+8T>A (NM_001407930.1, NM_001407843.1, NM_001408456.1 and 99 more transcripts); c.223+8T>A (NM_001407874.1, NM_001408416.1, NM_001408414.1 and 21 more transcripts); c.-218-10000T>A (NM_001407967.1, NM_001407966.1); c.169+8T>A (NM_001408451.1).
Identifiers: ClinVar variation 865653 (VCV000865653.3), dbSNP rs80358101, ClinGen allele CA916080804.
Genomic context (GRCh38, chr17:43,104,860, plus strand): 5'-ATTGTGCAAACTTCCTGAGTTTTCATGGACAGCACTTGAGTGTCATTCTTGGGATATTCA[A>T]CACTTACACTCCAAACCTGTGTCAAGCTGAAAAGCACAAATGATTTTCAATAGCTCTTCA-3'